The following is an entry in ClinVar:

NM_000053.4(ATP7B):c.3261C>A (p.Thr1087=)

Gene: ATP7B (ATPase copper transporting beta; minus strand). Cytogenetic location: 13q14.3.
Variant type: single nucleotide variant.
Coding change: c.3261C>A on transcript NM_000053.4 (MANE Select); coding-DNA position 3261, C replaced by A.
Protein change: p.Thr1087=; no amino-acid change (threonine 1087 retained).
Molecular consequence: synonymous variant.
Genome position (GRCh38, 1-based): chr13:51,942,537, G>T on the plus strand (C>A on the coding strand, the complement: ATP7B is on the minus strand). VCF-style: chr13-51942537-G-T. GRCh37 (hg19) VCF-style: chr13-52516673-G-T.
Other names: c.2640C>A, p.Thr880= (NM_001005918.3); c.2928C>A, p.Thr976= (NM_001243182.2); c.3027C>A, p.Thr1009= (NM_001330578.2); c.3009C>A, p.Thr1003= (NM_001330579.2).
Identifiers: ClinVar variation 712932 (VCV000712932.16), dbSNP rs375820067, ClinGen allele CA6988750.
Genomic context (GRCh38, chr13:51,942,537, plus strand): 5'-GCTGACTTTGCACCCAATTCCACAGCCTGGCACTGCCTGGAAGTCCGTGCAGTATCCCAA[G>T]GTCTCTGTTCCAAGTTCCTGGGAAGGTGGAAAGAGAGGAAGAGGAAACTGTAAGCCAAGA-3'
Protein context (NP_000044.2, residues 1077-1097): KYCKEELGTE[Thr1087=]LGYCTDFQAV

ClinVar aggregate classification (germline): Conflicting classifications of pathogenicity. Review status: criteria provided, conflicting classifications (1 of 4 stars). 5 submissions from 5 submitters: Uncertain significance (1); Likely benign (4). Last evaluated 2026-01-24.

Conditions:
Wilson disease (WND). Also called: Wilson's disease. Identifiers: Orphanet 905, MedGen C0019202, MONDO:0010200, OMIM 277900. Disease mechanism: loss of function.
Inborn genetic diseases. Identifiers: MedGen C0950123, MeSH D030342.

Allele frequency attached by ClinVar (database versions not stated): ESP Exome Variant Server 0.00016; TOPMed 0.00038; gnomAD 0.00013.
gnomAD v4.1: 59 of 1,614,104 alleles (0.0037%); highest among the groups gnomAD compares: African/African-American, 0.065%; no homozygotes.

Submissions (5):

Labcorp Genetics (formerly Invitae), Labcorp
Classification: Likely benign for Wilson disease. Last evaluated: 2026-01-24. Review status: criteria provided, single submitter. Criteria: Invitae Variant Classification Sherloc (09022015). Collection method: clinical testing. Allele origin: germline.

GeneDx
Classification: Uncertain significance. Last evaluated: 2025-11-13. Review status: criteria provided, single submitter. Criteria: GeneDx Variant Classification Process June 2021. Collection method: clinical testing. Allele origin: germline.
Comment: Has not been previously published as pathogenic or benign to our knowledge; In silico analysis suggests that this variant does not alter splicing

All of Us Research Program, National Institutes of Health
Classification: Likely benign for Wilson disease. Last evaluated: 2023-12-13. Review status: criteria provided, single submitter. Criteria: ACMG Guidelines, 2015. Collection method: clinical testing. Allele origin: germline. Inheritance: Autosomal recessive inheritance. Observed: 13 variant alleles, 13 heterozygotes.
Comment: This study involves interpretation of variants in research participants for the purpose of population health screening. Participant phenotype was not available at the time of variant classification. Additional details can be found in publication PMID: 35346344, PMCID: PMC8962531

Color Diagnostics, LLC DBA Color Health
Classification: Likely benign for Wilson disease. Last evaluated: 2022-04-28. Review status: criteria provided, single submitter. Criteria: ACMG Guidelines, 2015. Collection method: clinical testing. Allele origin: germline.

Ambry Genetics
Classification: Likely benign for Inborn genetic diseases. Last evaluated: 2022-03-30. Review status: criteria provided, single submitter. Criteria: Ambry Variant Classification Scheme 2023. Collection method: clinical testing. Allele origin: germline.